The following is an entry in ClinVar:

ClinVar aggregate classification (germline): Conflicting classifications of pathogenicity. Review status: criteria provided, conflicting classifications (1 of 4 stars). 2 submissions from 2 submitters: Uncertain significance (1); Likely benign (1). Last evaluated 2024-01-02.

Conditions:
Familial sleep-related hypermotor epilepsy. Also called: Autosomal Dominant Sleep-Related Hypermotor (Hyperkinetic) Epilepsy. Identifiers: Orphanet 98784, MedGen C3696898, MONDO:0000030.

Allele frequency attached by ClinVar (database versions not stated): TOPMed 0.00002; ESP Exome Variant Server 0.00015.
gnomAD v4.1: 13 of 1,582,120 alleles (0.00082%); highest among the groups gnomAD compares: Non-Finnish European, 0.0011%; no homozygotes.

Submissions (2):

Labcorp Genetics (formerly Invitae), Labcorp
Classification: Likely benign. Last evaluated: 2024-01-02. Review status: criteria provided, single submitter. Criteria: Invitae Variant Classification Sherloc (09022015). Collection method: clinical testing. Allele origin: germline.

GeneDx
Classification: Uncertain significance. Last evaluated: 2022-09-13. Review status: criteria provided, single submitter. Criteria: GeneDx Variant Classification Process June 2021. Collection method: clinical testing. Allele origin: germline. Affected: yes.
Comment: Not observed at significant frequency in large population cohorts (gnomAD); In silico analysis supports that this missense variant does not alter protein structure/function; Has not been previously published as pathogenic or benign to our knowledge

NM_000744.7(CHRNA4):c.1466T>G (p.Ile489Ser)

Gene: CHRNA4 (cholinergic receptor nicotinic alpha 4 subunit; minus strand). Cytogenetic location: 20q13.33.
Variant type: single nucleotide variant.
Coding change: c.1466T>G on transcript NM_000744.7 (MANE Select); coding-DNA position 1466, T replaced by G.
Protein change: p.Ile489Ser; replaces isoleucine 489 with serine.
Molecular consequence: missense variant. On other transcripts: non-coding transcript variant (1).
Genome position (GRCh38, 1-based): chr20:63,349,945, A>C on the plus strand (T>G on the coding strand, the complement: CHRNA4 is on the minus strand). VCF-style: chr20-63349945-A-C. GRCh37 (hg19) VCF-style: chr20-61981297-A-C.
Other names: c.938T>G, p.Ile313Ser (NM_001256573.2); c.1466T>G (NM_000744.5); short protein forms I313S, I489S.
Identifiers: ClinVar variation 998820 (VCV000998820.9), dbSNP rs377087067, ClinGen allele CA317431925.